The following is an entry in ClinVar:

NM_144687.4(NLRP12):c.832C>T (p.Pro278Ser)

Gene: NLRP12 (NLR family pyrin domain containing 12; minus strand). Cytogenetic location: 19q13.42.
Variant type: single nucleotide variant.
Coding change: c.832C>T on transcript NM_144687.4 (MANE Select); coding-DNA position 832, C replaced by T.
Protein change: p.Pro278Ser; replaces proline 278 with serine.
Molecular consequence: missense variant.
Genome position (GRCh38, 1-based): chr19:53,810,827, G>A on the plus strand (C>T on the coding strand, the complement: NLRP12 is on the minus strand). VCF-style: chr19-53810827-G-A. GRCh37 (hg19) VCF-style: chr19-54314081-G-A.
Other names: c.832C>T, p.Pro278Ser (NM_001277126.2, NM_001277129.1); short protein forms P278S.
Identifiers: ClinVar variation 1376385 (VCV001376385.6), dbSNP rs2122676644, ClinGen allele CA407415695.

ClinVar aggregate classification (germline): Uncertain significance (1 of 4 stars; one submission).

Conditions:
Familial cold autoinflammatory syndrome 2 (FCAS2). Identifiers: Orphanet 247868, MedGen C2673198, MONDO:0012724, OMIM 611762.

Allele frequency attached by ClinVar (database versions not stated): gnomAD exomes below 0.00001.
gnomAD v4.1: 1 of 1,614,122 alleles (0.000062%); highest among the groups gnomAD compares: Non-Finnish European, 0.000085%; no homozygotes.

Submission:

Labcorp Genetics (formerly Invitae), Labcorp
Classification: Uncertain significance for Familial cold autoinflammatory syndrome 2. Last evaluated: 2022-02-04. Review status: criteria provided, single submitter. Criteria: Invitae Variant Classification Sherloc (09022015). Collection method: clinical testing. Allele origin: germline.
Comment: In summary, the available evidence is currently insufficient to determine the role of this variant in disease. Therefore, it has been classified as a Variant of Uncertain Significance. Algorithms developed to predict the effect of missense changes on protein structure and function are either unavailable or do not agree on the potential impact of this missense change (SIFT: "Tolerated"; PolyPhen-2: "Possibly Damaging"; Align-GVGD: "Class C0"). This variant has not been reported in the literature in individuals affected with NLRP12-related conditions. This variant is not present in population databases (gnomAD no frequency). This sequence change replaces proline, which is neutral and non-polar, with serine, which is neutral and polar, at codon 278 of the NLRP12 protein (p.Pro278Ser).